The following is an entry in ClinVar:

NM_001846.4(COL4A2):c.1570_1571del (p.Gly524fs)

Genes: COL4A2 (collagen type IV alpha 2 chain; plus strand), COL4A2-AS2 (COL4A2 antisense RNA 2; minus strand). Cytogenetic location: 13q34.
Variant type: Deletion.
Coding change: c.1570_1571del on transcript NM_001846.4 (MANE Select); coding-DNA positions 1570 to 1571, 2 bases deleted (GG; older notation c.1570_1571delGG).
Protein change: p.Gly524fs; shifts the reading frame from glycine 524.
Molecular consequence: frameshift variant.
Genome position (GRCh38, 1-based): chr13:110,458,908-110,458,909, GG deleted. VCF-style (leftmost placement, unchanged base first): chr13-110458907-CGG-C. GRCh37 (hg19) VCF-style: chr13-111111254-CGG-C.
Other names: short protein forms G524fs.
Identifiers: ClinVar variation 1948893 (VCV001948893.5), dbSNP rs2502113464, ClinGen allele CA2580087156.

ClinVar aggregate classification (germline): Pathogenic (1 of 4 stars; one submission).

Submission:

Labcorp Genetics (formerly Invitae), Labcorp
Classification: Pathogenic. Last evaluated: 2022-08-24. Review status: criteria provided, single submitter. Criteria: Invitae Variant Classification Sherloc (09022015). Collection method: clinical testing. Allele origin: germline.
Comment: This sequence change creates a premature translational stop signal (p.Gly524Profs*34) in the COL4A2 gene. It is expected to result in an absent or disrupted protein product. Loss-of-function variants in COL4A2 are known to be pathogenic (PMID: 22333902, 30315939). This variant is not present in population databases (gnomAD no frequency). This variant has not been reported in the literature in individuals affected with COL4A2-related conditions. For these reasons, this variant has been classified as Pathogenic.

Literature cited by the submitters: PubMed 22333902; PubMed 30315939.